The following is an entry in ClinVar:

NM_015629.4(PRPF31):c.1374+650_1374+699del

Gene: PRPF31 (pre-mRNA processing factor 31; plus strand). Cytogenetic location: 19q13.42.
Variant type: Deletion.
Coding change: c.1374+650_1374+699del on transcript NM_015629.4 (MANE Select); bases 650 to 699 of the intron after coding-DNA position 1374, 50 bases deleted.
Molecular consequence: intron variant.
Genome position (GRCh38, 1-based): chr19:54,130,020-54,130,069, 50 bases deleted; deleting any 50 consecutive bases within chr19:54,130,019-54,130,069 gives the same sequence; the c. name uses the placement nearest the transcript's 3' end. GRCh37 (hg19): chr19:54,633,395-54,633,444.
Identifiers: ClinVar variation 4980942 (VCV004980942.1).

ClinVar aggregate classification (germline): Likely benign (1 of 4 stars; one submission).

Conditions:
PRPF31-related disorder. Also called: PRPF31-related condition.

Submission:

PreventionGenetics, part of Exact Sciences
Classification: Likely benign for PRPF31-related condition. Last evaluated: 2025-04-21. Review status: criteria provided, single submitter. Criteria: ACMG Guidelines, 2015. Collection method: clinical testing. Allele origin: germline.
Comment: This variant is classified as likely benign based on ACMG/AMP sequence variant interpretation guidelines (Richards et al. 2015 PMID: 25741868, with internal and published modifications).